The following is an entry in ClinVar:

ClinVar aggregate classification (germline): Likely benign (1 of 4 stars; one submission).

Allele frequency attached by ClinVar (database versions not stated): 1000 Genomes Project 0.01138; 1000 Genomes Project 30x 0.01140; TOPMed 0.01690; gnomAD 0.01699 and 0.01786.
gnomAD v4.1: 2,675 of 152,202 alleles (1.8%); highest among the groups gnomAD compares: Non-Finnish European, 2%; 24 homozygotes.

Submission:

GeneDx
Classification: Likely benign. Last evaluated: 2018-06-14. Review status: criteria provided, single submitter. Criteria: GeneDx Variant Classification (06012015). Collection method: clinical testing. Allele origin: germline. Affected: yes.
Comment: This variant is considered likely benign or benign based on one or more of the following criteria: it is a conservative change, it occurs at a poorly conserved position in the protein, it is predicted to be benign by multiple in silico algorithms, and/or has population frequency not consistent with disease.

NM_000393.5(COL5A2):c.1770+287G>A

Gene: COL5A2 (collagen type V alpha 2 chain; minus strand). Cytogenetic location: 2q32.2.
Variant type: single nucleotide variant.
Coding change: c.1770+287G>A on transcript NM_000393.5 (MANE Select); 287 bases into the intron after coding-DNA position 1770, G replaced by A.
Molecular consequence: intron variant.
Genome position (GRCh38, 1-based): chr2:189,063,693, C>T on the plus strand (G>A on the coding strand, the complement: COL5A2 is on the minus strand). VCF-style: chr2-189063693-C-T. GRCh37 (hg19) VCF-style: chr2-189928419-C-T.
Identifiers: ClinVar variation 681288 (VCV000681288.1), dbSNP rs73978820, ClinGen allele CA62601297.